The following is an entry in ClinVar:

NM_001376.5(DYNC1H1):c.8430G>C (p.Leu2810=)

Gene: DYNC1H1 (dynein cytoplasmic 1 heavy chain 1; plus strand). Cytogenetic location: 14q32.31.
Variant type: single nucleotide variant.
Coding change: c.8430G>C on transcript NM_001376.5 (MANE Select); coding-DNA position 8430, G replaced by C.
Protein change: p.Leu2810=; no amino-acid change (leucine 2810 retained).
Molecular consequence: synonymous variant.
Genome position (GRCh38, 1-based): chr14:102,019,979, G>C. VCF-style: chr14-102019979-G-C. GRCh37 (hg19) VCF-style: chr14-102486316-G-C.
Identifiers: ClinVar variation 4085574 (VCV004085574.8).

ClinVar aggregate classification (germline): Likely benign (1 of 4 stars; one submission).

Submission:

CeGaT Center for Human Genetics Tuebingen
Classification: Likely benign. Last evaluated: 2025-07-01. Review status: criteria provided, single submitter. Criteria: CeGaT Center For Human Genetics Tuebingen Variant Classification Criteria Version 2. Collection method: clinical testing. Allele origin: germline. Affected: yes. Observed: 1 variant allele.
Comment: DYNC1H1: PM2:Supporting, BP4, BP7